The following is an entry in ClinVar:

ClinVar aggregate classification (germline): Uncertain significance (1 of 4 stars; one submission).

Conditions:
Ehlers-Danlos syndrome, type 4 (EDSVASC). Also called: Ehlers-Danlos syndrome vascular type; Ehlers Danlos syndrome, ecchymotic type; Ehlers Danlos syndrome, arterial type; Ehlers Danlos syndrome, Sack-Barabas type; Ehlers-Danlos Syndrome Type IV. Identifiers: Orphanet 286, MedGen C0268338, MONDO:0017314, OMIM 130050.

Submission:

Labcorp Genetics (formerly Invitae), Labcorp
Classification: Uncertain significance for Ehlers-Danlos syndrome, type 4. Last evaluated: 2022-05-01. Review status: criteria provided, single submitter. Criteria: Invitae Variant Classification Sherloc (09022015). Collection method: clinical testing. Allele origin: germline.
Comment: In summary, the available evidence is currently insufficient to determine the role of this variant in disease. Therefore, it has been classified as a Variant of Uncertain Significance. Algorithms developed to predict the effect of missense changes on protein structure and function are either unavailable or do not agree on the potential impact of this missense change (SIFT: "Deleterious"; PolyPhen-2: "Not Available"; Align-GVGD: "Class C0"). This missense change has been observed in individual(s) with clinical features of autosomal dominant COL3A1-related conditions (Invitae). This variant is not present in population databases (gnomAD no frequency). This sequence change replaces arginine, which is basic and polar, with lysine, which is basic and polar, at codon 485 of the COL3A1 protein (p.Arg485Lys).

NM_000090.4(COL3A1):c.1454G>A (p.Arg485Lys)

Gene: COL3A1 (collagen type III alpha 1 chain; plus strand). Cytogenetic location: 2q32.2.
Variant type: single nucleotide variant.
Coding change: c.1454G>A on transcript NM_000090.4 (MANE Select); coding-DNA position 1454, G replaced by A.
Protein change: p.Arg485Lys; replaces arginine 485 with lysine.
Molecular consequence: missense variant.
Genome position (GRCh38, 1-based): chr2:188,994,830, G>A. VCF-style: chr2-188994830-G-A. GRCh37 (hg19) VCF-style: chr2-189859556-G-A.
Other names: short protein forms R485K.
Identifiers: ClinVar variation 2132500 (VCV002132500.4), dbSNP rs2469130409, ClinGen allele CA349851951.
Genomic context (GRCh38, chr2:188,994,830, plus strand): 5'-GCAAGGATGGATCACCTGGAGAACCTGGTGCAAATGGGCTTCCAGGAGCTGCAGGAGAAA[G>A]GGTACGTTTTCCATGGGGCATCTAAAAGAAAAGCAGCATCACTGTCATCTAAATAAAACT-3'
Protein context (NP_000081.2, residues 475-495): ANGLPGAAGE[Arg485Lys]GAPGFRGPAG